The following is an entry in ClinVar:

NM_001134363.3(RBM20):c.1424A>G (p.Asn475Ser)

Gene: RBM20 (RNA binding motif protein 20; plus strand). Cytogenetic location: 10q25.2.
Variant type: single nucleotide variant.
Coding change: c.1424A>G on transcript NM_001134363.3 (MANE Select); coding-DNA position 1424, A replaced by G.
Protein change: p.Asn475Ser; replaces asparagine 475 with serine.
Molecular consequence: missense variant.
Genome position (GRCh38, 1-based): chr10:110,784,427, A>G. VCF-style: chr10-110784427-A-G. GRCh37 (hg19) VCF-style: chr10-112544185-A-G.
Other names: short protein forms N475S.
Identifiers: ClinVar variation 3152252 (VCV003152252.4), dbSNP rs761937892, ClinGen allele CA5688596.

ClinVar aggregate classification (germline): Conflicting classifications of pathogenicity. Review status: criteria provided, conflicting classifications (1 of 4 stars). 2 submissions from 2 submitters: Uncertain significance (1); Likely benign (1). Last evaluated 2025-04-18.

Conditions:
Cardiovascular phenotype. Identifiers: MedGen CN230736.
Dilated cardiomyopathy 1DD (CMD1DD). Identifiers: Orphanet 154, MedGen C2750995, MONDO:0013168, OMIM 613172.

Allele frequency attached by ClinVar (database versions not stated): gnomAD exomes below 0.00001; TOPMed 0.00001; ExAC 0.00005.
gnomAD v4.1: 5 of 1,550,918 alleles (0.00032%); highest among the groups gnomAD compares: Middle Eastern, 0.017%; no homozygotes.

Submissions (2):

Labcorp Genetics (formerly Invitae), Labcorp
Classification: Uncertain significance for Dilated cardiomyopathy 1DD. Last evaluated: 2025-04-18. Review status: criteria provided, single submitter. Criteria: Invitae Variant Classification Sherloc (09022015). Collection method: clinical testing. Allele origin: germline.
Comment: This sequence change replaces asparagine, which is neutral and polar, with serine, which is neutral and polar, at codon 475 of the RBM20 protein (p.Asn475Ser). This variant is present in population databases (rs761937892, gnomAD 0.002%). This variant has not been reported in the literature in individuals affected with RBM20-related conditions. ClinVar contains an entry for this variant (Variation ID: 3152252). Invitae Evidence Modeling of protein sequence and biophysical properties (such as structural, functional, and spatial information, amino acid conservation, physicochemical variation, residue mobility, and thermodynamic stability) indicates that this missense variant is not expected to disrupt RBM20 protein function with a negative predictive value of 95%. In summary, the available evidence is currently insufficient to determine the role of this variant in disease. Therefore, it has been classified as a Variant of Uncertain Significance.

Ambry Genetics
Classification: Likely benign for Cardiovascular phenotype. Last evaluated: 2024-04-07. Review status: criteria provided, single submitter. Criteria: Ambry Variant Classification Scheme 2023. Collection method: clinical testing. Allele origin: germline.